The following is an entry in ClinVar:

ClinVar aggregate classification (germline): Pathogenic. Review status: reviewed by expert panel (3 of 4 stars). 3 submissions from 3 submitters: Pathogenic (1). 2 of the submissions do not count toward it. Last evaluated 2017-12-15.

Conditions:
Hereditary cancer-predisposing syndrome. Also called: Tumor predisposition; Hereditary Cancer Syndrome; Hereditary neoplastic syndrome; Neoplastic Syndromes, Hereditary. Identifiers: Orphanet 140162, MedGen C0027672, MeSH D009386, MONDO:0015356.
Hereditary breast ovarian cancer syndrome. Also called: Hereditary breast and ovarian cancer; Breast and ovarian cancer; BRCA1- and BRCA2-Associated Hereditary Breast and Ovarian Cancer; Hereditary breast and ovarian cancer syndrome; Hereditary breast and ovarian cancer syndrome (HBOC); Hereditary breast and/or ovarian cancer syndrome. Identifiers: Orphanet 145, MedGen C0677776, MeSH D061325, MONDO:0003582. Disease mechanism: loss of function.
Breast-ovarian cancer, familial, susceptibility to, 2 (BROVCA2). Also called: BRCA2 Hereditary Breast and Ovarian Cancer. Identifiers: Orphanet 145, MedGen C2675520, MONDO:0012933, OMIM 612555. Disease mechanism: loss of function.

Submissions (3):

Evidence-based Network for the Interpretation of Germline Mutant Alleles (ENIGMA)
Classification: Pathogenic for Breast-ovarian cancer, familial, susceptibility to, 2. Last evaluated: 2017-12-15. Review status: reviewed by expert panel. Criteria: ENIGMA BRCA1/2 Classification Criteria (2017-06-29). Collection method: curation. Allele origin: germline. Study: ENIGMA.
Comment: Variant allele predicted to encode a truncated non-functional protein.

Women's Health and Genetics/Laboratory Corporation of America, LabCorp
Classification: Pathogenic for Hereditary breast ovarian cancer syndrome. Last evaluated: 2017-06-28. Review status: criteria provided, single submitter. Criteria: LabCorp Variant Classification Summary - May 2015. Collection method: clinical testing. Allele origin: germline. Not counted in ClinVar's aggregate classification.
Comment: Variant summary: The BRCA2 c.9093_9094delinsG (p.Thr3033Leufs) variant results in a premature termination codon, predicted to cause a truncated or absent BRCA2 protein due to nonsense mediated decay, which are commonly known mechanisms for disease. Truncations downstream of this position have been classified as pathogenic by our laboratory (e.g.c.9235delG/p.Val3079fs). One in silico tool predicts a damaging outcome for this variant. This variant is absent in 117446 control chromosomes. Although this variant has not been reported in affected patients, c.9097delA, a variant cause same frameshift change (p.Thr3033Leufs), has been reported in multiple HBOC patients and classified as pathogenic variant by our lab. In addition, one clinical diagnostic laboratory classified this variant as pathogenic. Taken together, this variant is classified as pathogenic.

Ambry Genetics
Classification: Pathogenic for Hereditary cancer-predisposing syndrome. Last evaluated: 2015-08-18. Review status: criteria provided, single submitter. Criteria: Ambry Variant Classification Scheme 2023. Collection method: clinical testing. Allele origin: germline. Not counted in ClinVar's aggregate classification.
Comment: The c.9093_9094delAAinsG pathogenic mutation (also known as 9321_9322delAAinsG), located in coding exon 22 of the BRCA2 gene, results from the deletion of two nucleotides and insertion of one nucleotide causing a translational frameshift with a predicted alternate stop codon. Since frameshifts are typically deleterious in nature, this alteration is interpreted as a disease-causing mutation (ACMG Recommendations for Standards for Interpretation and Reporting of Sequence Variations. Revision 2007. Genet Med. 2008;10:294).

NM_000059.4(BRCA2):c.9093_9094delinsG (p.Thr3033fs)

Gene: BRCA2 (BRCA2 DNA repair associated; plus strand). Cytogenetic location: 13q13.1.
Variant type: Indel.
Coding change: c.9093_9094delinsG on transcript NM_000059.4 (MANE Select); coding-DNA positions 9093 to 9094, AA replaced by G.
Protein change: p.Thr3033fs; shifts the reading frame from threonine 3033.
Molecular consequence: frameshift variant.
Genome position (GRCh38, 1-based): chr13:32,379,889-32,379,890, AA replaced by G. VCF-style: chr13-32379889-AA-G. GRCh37 (hg19) VCF-style: chr13-32954026-AA-G.
Other names: c.9093_9094delAAinsG (NM_000059.3); short protein forms T3033fs.
Identifiers: ClinVar variation 233628 (VCV000233628.5), dbSNP rs876660532, ClinGen allele CA10579809.